The following is an entry in ClinVar:

NM_006265.3(RAD21):c.1211G>A (p.Arg404Lys)

Gene: RAD21 (RAD21 cohesin complex component; minus strand). Cytogenetic location: 8q24.11.
Variant type: single nucleotide variant.
Coding change: c.1211G>A on transcript NM_006265.3 (MANE Select); coding-DNA position 1211, G replaced by A.
Protein change: p.Arg404Lys; replaces arginine 404 with lysine.
Molecular consequence: missense variant.
Genome position (GRCh38, 1-based): chr8:116,852,659, C>T on the plus strand (G>A on the coding strand, the complement: RAD21 is on the minus strand). VCF-style: chr8-116852659-C-T. GRCh37 (hg19) VCF-style: chr8-117864898-C-T.
Other names: short protein forms R404K.
Identifiers: ClinVar variation 2956749 (VCV002956749.4), dbSNP rs1357605618, ClinGen allele CA371999103.

ClinVar aggregate classification (germline): Uncertain significance. Review status: criteria provided, multiple submitters, no conflicts (2 of 4 stars). 2 submissions from 2 submitters: Uncertain significance (2). Last evaluated 2025-05-18.

Conditions:
Cornelia de Lange syndrome 4 (CDLS4). Also called: CORNELIA DE LANGE SYNDROME 4 WITH OR WITHOUT MIDLINE BRAIN DEFECTS; RAD21-Related Cornelia de Lange Syndrome. Identifiers: Orphanet 199, MedGen C3553517, MONDO:0013864, OMIM 614701.
Inborn genetic diseases. Identifiers: MedGen C0950123, MeSH D030342.

Allele frequency attached by ClinVar (database versions not stated): gnomAD 0.00001.
gnomAD v4.1: 5 of 1,612,756 alleles (0.00031%); highest among the groups gnomAD compares: East Asian, 0.011%; no homozygotes.

Submissions (2):

Ambry Genetics
Classification: Uncertain significance for Inborn genetic diseases. Last evaluated: 2025-05-18. Review status: criteria provided, single submitter. Criteria: Ambry Variant Classification Scheme 2023. Collection method: clinical testing. Allele origin: germline.

Labcorp Genetics (formerly Invitae), Labcorp
Classification: Uncertain significance for Cornelia de Lange syndrome 4. Last evaluated: 2025-02-02. Review status: criteria provided, single submitter. Criteria: Invitae Variant Classification Sherloc (09022015). Collection method: clinical testing. Allele origin: germline.
Comment: This sequence change replaces arginine, which is basic and polar, with lysine, which is basic and polar, at codon 404 of the RAD21 protein (p.Arg404Lys). The frequency data for this variant in the population databases is considered unreliable, as metrics indicate poor data quality at this position in the gnomAD database. This variant has not been reported in the literature in individuals affected with RAD21-related conditions. ClinVar contains an entry for this variant (Variation ID: 2956749). Invitae Evidence Modeling of protein sequence and biophysical properties (such as structural, functional, and spatial information, amino acid conservation, physicochemical variation, residue mobility, and thermodynamic stability) indicates that this missense variant is not expected to disrupt RAD21 protein function with a negative predictive value of 95%. In summary, the available evidence is currently insufficient to determine the role of this variant in disease. Therefore, it has been classified as a Variant of Uncertain Significance.